The following is an entry in ClinVar:

NM_030973.4(MED25):c.918C>G (p.Ile306Met)

Gene: MED25 (mediator complex subunit 25; plus strand). Cytogenetic location: 19q13.33.
Variant type: single nucleotide variant.
Coding change: c.918C>G on transcript NM_030973.4 (MANE Select); coding-DNA position 918, C replaced by G.
Protein change: p.Ile306Met; replaces isoleucine 306 with methionine.
Molecular consequence: missense variant.
Genome position (GRCh38, 1-based): chr19:49,830,704, C>G. VCF-style: chr19-49830704-C-G. GRCh37 (hg19) VCF-style: chr19-50333961-C-G.
Other names: c.918C>G, p.Ile306Met (NM_001378355.1); short protein forms I306M.
Identifiers: ClinVar variation 1024836 (VCV001024836.8), dbSNP rs1447845181, ClinGen allele CA406914806.

ClinVar aggregate classification (germline): Uncertain significance (1 of 4 stars; one submission).

Conditions:
Charcot-Marie-Tooth disease type 2. Also called: Charcot-Marie-Tooth type 2. Identifiers: Orphanet 64746, MedGen C0270914, MONDO:0018993.

Allele frequency attached by ClinVar (database versions not stated): gnomAD exomes below 0.00001.
gnomAD v4.1: 1 of 1,614,050 alleles (0.000062%); no homozygotes.

Submission:

Labcorp Genetics (formerly Invitae), Labcorp
Classification: Uncertain significance for Charcot-Marie-Tooth disease type 2. Last evaluated: 2020-10-08. Review status: criteria provided, single submitter. Criteria: Invitae Variant Classification Sherloc (09022015). Collection method: clinical testing. Allele origin: germline.
Comment: This sequence change replaces isoleucine with methionine at codon 306 of the MED25 protein (p.Ile306Met). The isoleucine residue is highly conserved and there is a small physicochemical difference between isoleucine and methionine. This variant has not been reported in the literature in individuals with MED25-related conditions. This variant is not present in population databases (ExAC no frequency). In summary, the available evidence is currently insufficient to determine the role of this variant in disease. Therefore, it has been classified as a Variant of Uncertain Significance. Algorithms developed to predict the effect of missense changes on protein structure and function are either unavailable or do not agree on the potential impact of this missense change (SIFT: "Deleterious"; PolyPhen-2: "Benign"; Align-GVGD: "Class C0").